The following is an entry in ClinVar:

NM_014014.5(SNRNP200):c.2359G>A (p.Ala787Thr)

Gene: SNRNP200 (small nuclear ribonucleoprotein U5 subunit 200; minus strand). Cytogenetic location: 2q11.2.
Variant type: single nucleotide variant.
Coding change: c.2359G>A on transcript NM_014014.5 (MANE Select); coding-DNA position 2359, G replaced by A.
Protein change: p.Ala787Thr; replaces alanine 787 with threonine.
Molecular consequence: missense variant.
Genome position (GRCh38, 1-based): chr2:96,291,454, C>T on the plus strand (G>A on the coding strand, the complement: SNRNP200 is on the minus strand). VCF-style: chr2-96291454-C-T. GRCh37 (hg19) VCF-style: chr2-96957192-C-T.
Other names: short protein forms A787T.
Identifiers: ClinVar variation 862932 (VCV000862932.51), dbSNP rs2063883437, ClinGen allele CA347677700.

ClinVar aggregate classification (germline): Pathogenic/Likely pathogenic. Review status: criteria provided, multiple submitters, no conflicts (2 of 4 stars). 7 submissions from 7 submitters: Pathogenic (5); Likely pathogenic (2). Last evaluated 2025-12-31.

Conditions:
SNRNP200-related disorder. Also called: SNRNP200-related condition.
Retinitis pigmentosa 33 (RP33). Identifiers: Orphanet 791, MedGen C1835895, MONDO:0012477, OMIM 610359.
Retinal disorder. Also called: Retinopathy; Retinal disorders; Retinopathies; Retinal Diseases. Identifiers: MedGen C0035309, MONDO:0005283, HP:0000488.
Retinal dystrophy. Also called: Inherited retinal dystrophy. Identifiers: Orphanet 71862, MedGen C0854723, MeSH D058499, MONDO:0019118, HP:0000556.

Submissions (7):

Genetics Laboratory, Great Ormond Street Hospital NHS Foundation Trust, North Thames Genomic Laboratory Hub
Classification: Likely pathogenic for Retinal disorders. Last evaluated: 2025-12-31. Review status: criteria provided, single submitter. Criteria: ACGS Best Practice Guidelines for Variant Classification in Rare Disease 2024 v1.2. Collection method: clinical testing. Allele origin: germline. Affected: yes.
Comment: PS4_moderate, PM2_moderate, PP3_supporting, PM6_supporting

Labcorp Genetics (formerly Invitae), Labcorp
Classification: Pathogenic. Last evaluated: 2025-06-22. Review status: criteria provided, single submitter. Criteria: Invitae Variant Classification Sherloc (09022015). Collection method: clinical testing. Allele origin: germline.
Comment: This sequence change replaces alanine, which is neutral and non-polar, with threonine, which is neutral and polar, at codon 787 of the SNRNP200 protein (p.Ala787Thr). This variant is not present in population databases (gnomAD no frequency). This missense change has been observed in individual(s) with autosomal dominant retinitis pigmentosa (PMID: 24938718, 25097241, 31486839; internal data). In at least one individual the variant was observed to be de novo. ClinVar contains an entry for this variant (Variation ID: 862932). Invitae Evidence Modeling of protein sequence and biophysical properties (such as structural, functional, and spatial information, amino acid conservation, physicochemical variation, residue mobility, and thermodynamic stability) has been performed for this missense variant. However, the output from this modeling did not meet the statistical confidence thresholds required to predict the impact of this variant on SNRNP200 protein function. For these reasons, this variant has been classified as Pathogenic.

3billion
Classification: Pathogenic for Retinitis pigmentosa 33. Last evaluated: 2025-02-21. Review status: criteria provided, single submitter. Criteria: ACMG Guidelines, 2015. Collection method: clinical testing. Allele origin: germline. Affected: yes.
Comment: The variant is not observed in the gnomAD v4.1.0 dataset. Predicted Consequence/Location: Missense variant. Missense changes are a common disease-causing mechanism. In silico tool predictions suggest damaging effect of the variant on gene or gene product [REVEL: 0.98 (>=0.6, sensitivity 0.68 and specificity 0.92); 3Cnet: 0.07 (>=0.6, sensitivity 0.72 and precision 0.9)]. The same nucleotide change resulting in the same amino acid change has been previously reported as pathogenic/likely pathogenic with strong evidence (ClinVar ID: VCV000862932 /PMID: 24938718). The variant has been previously reported as de novo in a similarly affected individual (PMID: 24938718). The variant has been observed in at least two similarly affected unrelated individuals (PMID: 24938718, 25097241, 31486839). Therefore, this variant is classified as Pathogenic according to the recommendation of ACMG/AMP guideline.

Blueprint Genetics
Classification: Pathogenic for SNRNP200-related disorders. Last evaluated: 2024-09-23. Review status: criteria provided, single submitter. Criteria: ACMG Guidelines, 2015. Collection method: clinical testing. Allele origin: germline. Affected: yes. Observed: 5 variant alleles.

Dept Of Ophthalmology, Nagoya University
Classification: Likely pathogenic for Retinal dystrophy. Last evaluated: 2023-10-01. Review status: criteria provided, single submitter. Criteria: Submitter's publication. Collection method: research. Allele origin: germline. Affected: yes.

Institute of Medical Genetics and Applied Genomics, University Hospital Tübingen
Classification: Pathogenic for Retinitis pigmentosa 33. Last evaluated: 2023-02-14. Review status: criteria provided, single submitter. Criteria: ACMG Guidelines, 2015. Collection method: clinical testing. Allele origin: germline. Inheritance: Autosomal dominant inheritance. Affected: yes.

CeGaT Center for Human Genetics Tuebingen
Classification: Pathogenic. Last evaluated: 2017-01-01. Review status: criteria provided, single submitter. Criteria: CeGaT Center For Human Genetics Tuebingen Variant Classification Criteria Version 2. Collection method: clinical testing. Allele origin: germline. Affected: yes. Observed: 1 variant allele.

Literature cited by the submitters: PubMed 24938718 (cited by Labcorp Genetics (formerly Invitae), Labcorp and 3billion); PubMed 25097241 (cited by Labcorp Genetics (formerly Invitae), Labcorp and 3billion); PubMed 31486839 (cited by Labcorp Genetics (formerly Invitae), Labcorp and 3billion).